The following is an entry in ClinVar:

NM_006073.4(TRDN):c.1166-2A>C

Gene: TRDN (triadin; minus strand). Cytogenetic location: 6q22.31.
Variant type: single nucleotide variant.
Coding change: c.1166-2A>C on transcript NM_006073.4 (MANE Select); the canonical splice acceptor site of the intron before coding-DNA position 1166, A replaced by C.
Molecular consequence: splice acceptor variant.
Genome position (GRCh38, 1-based): chr6:123,381,392, T>G on the plus strand (A>C on the coding strand, the complement: TRDN is on the minus strand). VCF-style: chr6-123381392-T-G. GRCh37 (hg19) VCF-style: chr6-123702537-T-G.
Other names: c.1109-2A>C (NM_001407315.1); c.1169-2A>C (NM_001251987.2); c.1166-2A>C (NM_006073.3).
Identifiers: ClinVar variation 1738169 (VCV001738169.3), dbSNP rs1360188622, ClinGen allele CA365566719.
Genomic context (GRCh38, chr6:123,381,392, plus strand): 5'-AAAAAAAGTACACAAATACACTGCATGCATTTCCTTACTTTTTCCCTTGGGTTGTTCTAC[T>G]GAAAGAAATACAAACAAAATCATTGCTCTTAAAACTTTAAAGATAAAACGTACTACCCTA-3'

ClinVar aggregate classification (germline): Uncertain significance. Review status: criteria provided, multiple submitters, no conflicts (2 of 4 stars). 2 submissions from 2 submitters: Uncertain significance (2). Last evaluated 2026-03-27.

Conditions:
Cardiovascular phenotype. Identifiers: MedGen CN230736.

gnomAD v4.1: 5 of 1,557,232 alleles (0.00032%); highest among the groups gnomAD compares: East Asian, 0.012%; no homozygotes.

Submissions (2):

Molecular Diagnostic Laboratory for Inherited Cardiovascular Disease, Montreal Heart Institute
Classification: Uncertain significance for Cardiovascular phenotype. Last evaluated: 2026-03-27. Review status: criteria provided, single submitter. Criteria: ACMG Guidelines, 2015. Collection method: clinical testing. Allele origin: germline. Affected: yes.
Comment: PVS1_mod, PM2

Ambry Genetics
Classification: Uncertain significance for Cardiovascular phenotype. Last evaluated: 2019-07-29. Review status: criteria provided, single submitter. Criteria: Ambry Variant Classification Scheme 2023. Collection method: clinical testing. Allele origin: germline.
Comment: The c.1166-2A>C intronic variant results from an A to C substitution two nucleotides upstream from coding exon 16 in the TRDN gene. This nucleotide position is well conserved in available vertebrate species. Using two different splice site prediction tools, this alteration is predicted by ESEfinder to abolish the native splice acceptor site, but is not predicted to have a deleterious effect on this splice acceptor site by BDGP; however, direct evidence is unavailable. Alterations that disrupt the canonical splice site are expected to cause aberrant splicing, resulting in an abnormal protein or a transcript that is subject to nonsense-mediated mRNA decay. However, this alteration does not impact the predominant cardiac isoform of TRDN (NM_001256021.1; Kobayashi YM et al. J. Biol. Chem., 1999 Oct;274:28660-8). Since supporting evidence is limited at this time, the clinical significance of this alteration remains unclear.